The following is an entry in ClinVar:

ClinVar aggregate classification (germline): Uncertain significance (0 of 4 stars; one submission).

Conditions:
IFT74-related disorder. Also called: IFT74-related condition; IFT74-Related Disorders.

gnomAD v4.1: 6 of 1,610,378 alleles (0.00037%); highest among the groups gnomAD compares: Non-Finnish European, 0.00051%; no homozygotes.

Submission:

PreventionGenetics, part of Exact Sciences
Classification: Uncertain significance for IFT74-related condition. Last evaluated: 2024-02-08. Review status: no assertion criteria provided. Collection method: clinical testing. Allele origin: germline.
Comment: The IFT74 c.830T>C variant is predicted to result in the amino acid substitution p.Leu277Pro. To our knowledge, this variant has not been reported in the literature or in a large population database, indicating this variant is rare. At this time, the clinical significance of this variant is uncertain due to the absence of conclusive functional and genetic evidence.

NM_025103.4(IFT74):c.830T>C (p.Leu277Pro)

Gene: IFT74 (intraflagellar transport 74; plus strand). Cytogenetic location: 9p21.2.
Variant type: single nucleotide variant.
Coding change: c.830T>C on transcript NM_025103.4 (MANE Select); coding-DNA position 830, T replaced by C.
Protein change: p.Leu277Pro; replaces leucine 277 with proline.
Molecular consequence: missense variant.
Genome position (GRCh38, 1-based): chr9:27,016,947, T>C. VCF-style: chr9-27016947-T-C. GRCh37 (hg19) VCF-style: chr9-27016945-T-C.
Other names: c.830T>C, p.Leu277Pro (NM_001099222.3, NM_001099223.3, NM_001099224.3 and 1 more transcripts); short protein forms L277P.
Identifiers: ClinVar variation 3355035 (VCV003355035.1).